The following is an entry in ClinVar:

NM_000440.3(PDE6A):c.1855G>C (p.Ala619Pro)

Gene: PDE6A (phosphodiesterase 6A; minus strand). Cytogenetic location: 5q32.
Variant type: single nucleotide variant.
Coding change: c.1855G>C on transcript NM_000440.3 (MANE Select); coding-DNA position 1855, G replaced by C.
Protein change: p.Ala619Pro; replaces alanine 619 with proline.
Molecular consequence: missense variant.
Genome position (GRCh38, 1-based): chr5:149,884,851, C>G on the plus strand (G>C on the coding strand, the complement: PDE6A is on the minus strand). VCF-style: chr5-149884851-C-G. GRCh37 (hg19) VCF-style: chr5-149264414-C-G.
Other names: short protein forms A619P.
Identifiers: ClinVar variation 1434388 (VCV001434388.8), dbSNP rs1752223184, ClinGen allele CA361693588.
Genomic context (GRCh38, chr5:149,884,851, plus strand): 5'-GCAGTGTTTTGCCAAACTCCAAGTGGTGTCTTTCCAAGATAGAGGACCCATGGAGCTTGG[C>G]CAGTGGGTTCTGGGATCTGAATGAGAAAGAGAGAGAATCAATATGGAGTGGACAATAGAA-3'
Protein context (NP_000431.2, residues 609-629): LYQMKSQNPL[Ala619Pro]KLHGSSILER

ClinVar aggregate classification (germline): Uncertain significance (1 of 4 stars; one submission).

Allele frequency attached by ClinVar (database versions not stated): TOPMed below 0.00001.
gnomAD v4.1: 1 of 1,613,712 alleles (0.000062%); highest among the groups gnomAD compares: Non-Finnish European, 0.000085%; no homozygotes.

Submission:

Labcorp Genetics (formerly Invitae), Labcorp
Classification: Uncertain significance. Last evaluated: 2022-02-10. Review status: criteria provided, single submitter. Criteria: Invitae Variant Classification Sherloc (09022015). Collection method: clinical testing. Allele origin: germline.
Comment: In summary, the available evidence is currently insufficient to determine the role of this variant in disease. Therefore, it has been classified as a Variant of Uncertain Significance. Algorithms developed to predict the effect of missense changes on protein structure and function (SIFT, PolyPhen-2, Align-GVGD) all suggest that this variant is likely to be disruptive. This variant has not been reported in the literature in individuals affected with PDE6A-related conditions. This variant is not present in population databases (gnomAD no frequency). This sequence change replaces alanine, which is neutral and non-polar, with proline, which is neutral and non-polar, at codon 619 of the PDE6A protein (p.Ala619Pro).